The following is an entry in ClinVar:

NM_000535.7(PMS2):c.1437C>T (p.His479=)

Gene: PMS2 (PMS1 homolog 2, mismatch repair system component; minus strand). Cytogenetic location: 7p22.1.
Variant type: single nucleotide variant.
Coding change: c.1437C>T on transcript NM_000535.7 (MANE Select); coding-DNA position 1437, C replaced by T.
Protein change: p.His479=; no amino-acid change (histidine 479 retained).
Molecular consequence: synonymous variant. On other transcripts: non-coding transcript variant (1).
Genome position (GRCh38, 1-based): chr7:5,987,328, G>A on the plus strand (C>T on the coding strand, the complement: PMS2 is on the minus strand). VCF-style: chr7-5987328-G-A. GRCh37 (hg19) VCF-style: chr7-6026959-G-A.
Other names: c.1032C>T, p.His344= (NM_001322003.2, NM_001322004.2, NM_001322005.2 and 1 more transcripts); c.1281C>T, p.His427= (NM_001322006.2); c.1119C>T, p.His373= (NM_001322007.2, NM_001322008.2); c.876C>T, p.His292= (NM_001322010.2); c.504C>T, p.His168= (NM_001322011.2, NM_001322012.2); c.864C>T, p.His288= (NM_001322013.2); c.1437C>T, p.His479= (NM_001322014.2); c.1128C>T, p.His376= (NM_001322015.2).
Identifiers: ClinVar variation 187192 (VCV000187192.23), dbSNP rs63750685, ClinGen allele CA009679.

ClinVar aggregate classification (germline): Benign/Likely benign. Review status: criteria provided, multiple submitters, no conflicts (2 of 4 stars). 9 submissions from 9 submitters: Benign (1); Likely benign (8). Last evaluated 2026-01-18.

Conditions:
Mismatch repair cancer syndrome 4. Identifiers: MedGen C5436817, MONDO:0030843, OMIM 619101.
Lynch syndrome 4 (LYNCH4). Also called: Colorectal cancer, hereditary nonpolyposis, type 4; Hereditary non-polyposis colorectal cancer, type 4. Identifiers: Orphanet 144, MedGen C1838333, MONDO:0013699, OMIM 614337. Disease mechanism: loss of function.
Hereditary nonpolyposis colorectal neoplasms. Identifiers: MedGen C0009405, MeSH D003123.
Lynch syndrome. Identifiers: Orphanet 144, MedGen C4552100, MONDO:0005835. Disease mechanism: loss of function.
Hereditary cancer-predisposing syndrome. Also called: Neoplastic Syndromes, Hereditary; Tumor predisposition; Hereditary Cancer Syndrome; Hereditary neoplastic syndrome. Identifiers: Orphanet 140162, MedGen C0027672, MeSH D009386, MONDO:0015356.

Allele frequency attached by ClinVar (database versions not stated): TOPMed 0.00003.
gnomAD v4.1: 14 of 1,614,002 alleles (0.00087%); highest among the groups gnomAD compares: Admixed American, 0.005%; no homozygotes.

Submissions (9):

Labcorp Genetics (formerly Invitae), Labcorp
Classification: Likely benign for Hereditary nonpolyposis colorectal neoplasms. Last evaluated: 2026-01-18. Review status: criteria provided, single submitter. Criteria: Invitae Variant Classification Sherloc (09022015). Collection method: clinical testing. Allele origin: germline.

Center for Genomic Medicine, Rigshospitalet, Copenhagen University Hospital
Classification: Likely benign. Last evaluated: 2025-12-29. Review status: criteria provided, single submitter. Criteria: ACMG Guidelines, 2015. Collection method: clinical testing. Allele origin: germline.

Myriad Genetics, Inc.
Classification: Benign for Lynch syndrome 4. Last evaluated: 2025-01-30. Review status: criteria provided, single submitter. Criteria: Myriad Autosomal Dominant, Autosomal Recessive and X-Linked Classification Criteria (2023). Collection method: clinical testing. Allele origin: unknown.
Comment: This variant is considered benign. This variant is a silent/synonymous amino acid change and it is not expected to impact splicing.

Department of Pathology and Laboratory Medicine, Sinai Health System
Classification: Likely benign for Lynch syndrome 4; Mismatch repair cancer syndrome 4. Last evaluated: 2024-10-15. Review status: criteria provided, single submitter. Criteria: ACMG Guidelines, 2015. Collection method: clinical testing. Allele origin: germline.

All of Us Research Program, National Institutes of Health
Classification: Likely benign for Lynch syndrome. Last evaluated: 2023-11-28. Review status: criteria provided, single submitter. Criteria: ACMG Guidelines, 2015. Collection method: clinical testing. Allele origin: germline. Inheritance: Autosomal dominant inheritance. Observed: 3 variant alleles, 3 heterozygotes.
Comment: This study involves interpretation of variants in research participants for the purpose of population health screening. Participant phenotype was not available at the time of variant classification. Additional details can be found in publication PMID: 35346344, PMCID: PMC8962531

Quest Diagnostics Nichols Institute San Juan Capistrano
Classification: Likely benign. Last evaluated: 2019-12-24. Review status: criteria provided, single submitter. Criteria: Quest Diagnostics criteria. Collection method: clinical testing. Allele origin: unknown.

GeneDx
Classification: Likely benign. Last evaluated: 2017-11-03. Review status: criteria provided, single submitter. Criteria: GeneDx Variant Classification (06012015). Collection method: clinical testing. Allele origin: germline. Affected: yes.
Comment: This variant is considered likely benign or benign based on one or more of the following criteria: it is a conservative change, it occurs at a poorly conserved position in the protein, it is predicted to be benign by multiple in silico algorithms, and/or has population frequency not consistent with disease.

Color Diagnostics, LLC DBA Color Health
Classification: Likely benign for Hereditary cancer-predisposing syndrome. Last evaluated: 2017-05-22. Review status: criteria provided, single submitter. Criteria: ACMG Guidelines, 2015. Collection method: clinical testing. Allele origin: germline.

Ambry Genetics
Classification: Likely benign for Hereditary cancer-predisposing syndrome. Last evaluated: 2014-12-01. Review status: criteria provided, single submitter. Criteria: Ambry Variant Classification Scheme 2023. Collection method: clinical testing. Allele origin: germline.